The following is an entry in ClinVar:

ClinVar aggregate classification (germline): Likely pathogenic. Review status: criteria provided, multiple submitters, no conflicts (2 of 4 stars). 2 submissions from 2 submitters: Likely pathogenic (2). Last evaluated 2024-03-12.

Conditions:
Finnish congenital nephrotic syndrome (NPHS1). Also called: NEPHROTIC SYNDROME, TYPE 1. Identifiers: Orphanet 839, MedGen C0403399, MONDO:0009732, OMIM 256300.

Allele frequency attached by ClinVar (database versions not stated): gnomAD exomes below 0.00001.
gnomAD v4.1: 1 of 1,611,702 alleles (0.000062%); highest among the groups gnomAD compares: Non-Finnish European, 0.000085%; no homozygotes.

Submissions (2):

Fulgent Genetics
Classification: Likely pathogenic for Finnish congenital nephrotic syndrome. Last evaluated: 2024-03-12. Review status: criteria provided, single submitter. Criteria: ACMG Guidelines, 2015. Collection method: clinical testing. Allele origin: germline.

Women's Health and Genetics/Laboratory Corporation of America, LabCorp
Classification: Likely pathogenic for Finnish congenital nephrotic syndrome. Last evaluated: 2023-08-02. Review status: criteria provided, single submitter. Criteria: LabCorp Variant Classification Summary - May 2015. Collection method: clinical testing. Allele origin: germline.
Comment: Variant summary: NPHS1 c.2132G>A (p.Arg711His) results in a non-conservative amino acid change located in the Immunoglobulin subtype 2 domain (IPR003598) of the encoded protein sequence. Five of five in-silico tools predict a damaging effect of the variant on protein function. The variant was absent in 248114 control chromosomes. c.2132G>A has been reported in the literature in at least two compound heterozygous individuals affected with Nephrotic Syndrome, Type 1 (e.g., Guaragna_2016, Wong_2013). Additionally, other variants at the Arg711 residue have been reported as associated with disease (p.Arg711Ser), suggesting that this codon is functionally important. To our knowledge, no experimental evidence demonstrating an impact on protein function has been reported. The following publications have been ascertained in the context of this evaluation (PMID: 26560236, 23949594). No submitters have cited clinical-significance assessments for this variant to ClinVar after 2014. Based on the evidence outlined above, the variant was classified as likely pathogenic.

Literature cited by the submitters: PubMed 23949594 (cited by Women's Health and Genetics/Laboratory Corporation of America, LabCorp); PubMed 26560236 (cited by Women's Health and Genetics/Laboratory Corporation of America, LabCorp).

NM_004646.4(NPHS1):c.2132G>A (p.Arg711His)

Gene: NPHS1 (NPHS1 adhesion molecule, nephrin; minus strand). Cytogenetic location: 19q13.12.
Variant type: single nucleotide variant.
Coding change: c.2132G>A on transcript NM_004646.4 (MANE Select); coding-DNA position 2132, G replaced by A.
Protein change: p.Arg711His; replaces arginine 711 with histidine.
Molecular consequence: missense variant.
Genome position (GRCh38, 1-based): chr19:35,844,183, C>T on the plus strand (G>A on the coding strand, the complement: NPHS1 is on the minus strand). VCF-style: chr19-35844183-C-T. GRCh37 (hg19) VCF-style: chr19-36335085-C-T.
Other names: short protein forms R711H.
Identifiers: ClinVar variation 2581211 (VCV002581211.4), dbSNP rs926025297, ClinGen allele CA307783285.